The following is an entry in ClinVar:

NM_030662.4(MAP2K2):c.206del (p.Asp69fs)

Gene: MAP2K2 (mitogen-activated protein kinase kinase 2; minus strand). Cytogenetic location: 19p13.3.
Variant type: Deletion.
Coding change: c.206del on transcript NM_030662.4 (MANE Select); coding-DNA position 206, one base deleted (A; older notation c.206delA).
Protein change: p.Asp69fs; shifts the reading frame from aspartic acid 69.
Molecular consequence: frameshift variant.
Genome position (GRCh38, 1-based): chr19:4,117,516, T deleted on the plus strand (A on the coding strand, the reverse complement: MAP2K2 is on the minus strand). VCF-style (leftmost placement, unchanged base first): chr19-4117515-GT-G. GRCh37 (hg19) VCF-style: chr19-4117513-GT-G.
Other names: short protein forms D69fs.
Identifiers: ClinVar variation 1313319 (VCV001313319.3), dbSNP rs2145080289, ClinGen allele CA2573054771.
Genomic context (GRCh38, chr19:4,117,515, plus strand): 5'-GACTTTGGTGACCACCCCGCCGTTGCCCGCGCCCAGCTCTGAGATCCTTTCGAAGTCATC[GT>G]CTTTGAGTTCGCCGACCTTGGCTTTCTGGGTGAGAAAGGCTTCCAGCCGCTTCTTCTGCT-3'

ClinVar aggregate classification (germline): Uncertain significance (1 of 4 stars; one submission).

Submission:

GeneDx
Classification: Uncertain significance. Last evaluated: 2025-03-08. Review status: criteria provided, single submitter. Criteria: GeneDx Variant Classification Process June 2021. Collection method: clinical testing. Allele origin: germline. Affected: yes.
Comment: Not observed in large population cohorts (gnomAD); Has not been previously published as pathogenic or benign to our knowledge; Frameshift variant predicted to result in protein truncation or nonsense mediated decay in a gene for which loss-of-function is not a known mechanism of disease